The following is an entry in ClinVar:

ClinVar aggregate classification (germline): Uncertain significance. Review status: criteria provided, multiple submitters, no conflicts (2 of 4 stars). 2 submissions from 2 submitters: Uncertain significance (2). Last evaluated 2025-03-01.

Conditions:
Inborn genetic diseases. Identifiers: MedGen C0950123, MeSH D030342.
Acute myeloid leukemia (AML). Also called: Acute myeloid leukemia, adult; AML adult; Acute non-lymphocytic leukemia; Acute granulocytic leukemia; Leukemia, acute myelogenous, somatic; Leukemia, acute myeloid, somatic. Identifiers: Orphanet 519, MedGen C0023467, MeSH D015470, MONDO:0018874, OMIM 601626, HP:0004808. Disease mechanism: Constitutively activated FLT3.

Submissions (2):

Ambry Genetics
Classification: Uncertain significance for Inborn genetic diseases. Last evaluated: 2025-03-01. Review status: criteria provided, single submitter. Criteria: Ambry Variant Classification Scheme 2023. Collection method: clinical testing. Allele origin: germline.
Comment: The p.G177D variant (also known as c.530G>A), located in coding exon 1 of the CEBPA gene, results from a G to A substitution at nucleotide position 530. The glycine at codon 177 is replaced by aspartic acid, an amino acid with similar properties. This amino acid position is conserved. In addition, this alteration is predicted to be tolerated by in silico analysis. Based on the available evidence, the clinical significance of this variant remains unclear.

Labcorp Genetics (formerly Invitae), Labcorp
Classification: Uncertain significance for Acute myeloid leukemia. Last evaluated: 2021-10-06. Review status: criteria provided, single submitter. Criteria: Invitae Variant Classification Sherloc (09022015). Collection method: clinical testing. Allele origin: germline.
Comment: In summary, the available evidence is currently insufficient to determine the role of this variant in disease. Therefore, it has been classified as a Variant of Uncertain Significance. Algorithms developed to predict the effect of missense changes on protein structure and function are either unavailable or do not agree on the potential impact of this missense change (SIFT: "Deleterious"; PolyPhen-2: "Benign"; Align-GVGD: "Class C0"). This variant has not been reported in the literature in individuals affected with CEBPA-related conditions. The frequency data for this variant in the population databases is considered unreliable, as metrics indicate insufficient coverage at this position in the ExAC database. This sequence change replaces glycine with aspartic acid at codon 177 of the CEBPA protein (p.Gly177Asp). The glycine residue is moderately conserved and there is a moderate physicochemical difference between glycine and aspartic acid.

NM_004364.5(CEBPA):c.530G>A (p.Gly177Asp)

Gene: CEBPA (CCAAT enhancer binding protein alpha; minus strand). Cytogenetic location: 19q13.11.
Variant type: single nucleotide variant.
Coding change: c.530G>A on transcript NM_004364.5 (MANE Select); coding-DNA position 530, G replaced by A.
Protein change: p.Gly177Asp; replaces glycine 177 with aspartic acid.
Molecular consequence: missense variant.
Genome position (GRCh38, 1-based): chr19:33,301,885, C>T on the plus strand (G>A on the coding strand, the complement: CEBPA is on the minus strand). VCF-style: chr19-33301885-C-T. GRCh37 (hg19) VCF-style: chr19-33792791-C-T.
Other names: c.488G>A, p.Gly163Asp (NM_001287435.2); c.173G>A, p.Gly58Asp (NM_001285829.2); c.635G>A, p.Gly212Asp (NM_001287424.2); c.530G>A (NM_004364.3); short protein forms G163D, G177D, G212D, G58D.
Identifiers: ClinVar variation 1026936 (VCV001026936.8), dbSNP rs1967181220, ClinGen allele CA405274755.